The following is an entry in ClinVar:

NM_006059.4(LAMC3):c.4349G>A (p.Arg1450His)

Gene: LAMC3 (laminin subunit gamma 3; plus strand). Cytogenetic location: 9q34.12.
Variant type: single nucleotide variant.
Coding change: c.4349G>A on transcript NM_006059.4 (MANE Select); coding-DNA position 4349, G replaced by A.
Protein change: p.Arg1450His; replaces arginine 1450 with histidine.
Molecular consequence: missense variant.
Genome position (GRCh38, 1-based): chr9:131,087,594, G>A. VCF-style: chr9-131087594-G-A. GRCh37 (hg19) VCF-style: chr9-133962981-G-A.
Other names: c.4349G>A (NM_006059.3); short protein forms R1450H.
Identifiers: ClinVar variation 2198771 (VCV002198771.3), dbSNP rs201826478, ClinGen allele CA5288135.

ClinVar aggregate classification (germline): Uncertain significance. Review status: criteria provided, multiple submitters, no conflicts (2 of 4 stars). 2 submissions from 2 submitters: Uncertain significance (2). Last evaluated 2025-08-13.

Conditions:
Inborn genetic diseases. Identifiers: MedGen C0950123, MeSH D030342.

Allele frequency attached by ClinVar (database versions not stated): gnomAD 0.00003; ExAC 0.00006; TOPMed 0.00006.
gnomAD v4.1: 100 of 1,613,862 alleles (0.0062%); highest among the groups gnomAD compares: Non-Finnish European, 0.0078%; no homozygotes.

Submissions (2):

Labcorp Genetics (formerly Invitae), Labcorp
Classification: Uncertain significance. Last evaluated: 2025-08-13. Review status: criteria provided, single submitter. Criteria: Invitae Variant Classification Sherloc (09022015). Collection method: clinical testing. Allele origin: germline.
Comment: This sequence change replaces arginine, which is basic and polar, with histidine, which is basic and polar, at codon 1450 of the LAMC3 protein (p.Arg1450His). This variant is present in population databases (rs201826478, gnomAD 0.009%). This variant has not been reported in the literature in individuals affected with LAMC3-related conditions. ClinVar contains an entry for this variant (Variation ID: 2198771). An algorithm developed to predict the effect of missense changes on protein structure and function outputs the following: PolyPhen-2: "Benign". The histidine amino acid residue is found in multiple mammalian species, which suggests that this missense change does not adversely affect protein function. In summary, the available evidence is currently insufficient to determine the role of this variant in disease. Therefore, it has been classified as a Variant of Uncertain Significance.

Ambry Genetics
Classification: Uncertain significance for Inborn genetic diseases. Last evaluated: 2022-07-25. Review status: criteria provided, single submitter. Criteria: Ambry Variant Classification Scheme 2023. Collection method: clinical testing. Allele origin: germline.